The following is an entry in ClinVar:

ClinVar aggregate classification (germline): Uncertain significance. Review status: criteria provided, multiple submitters, no conflicts (2 of 4 stars). 5 submissions from 5 submitters: Uncertain significance (4). 1 of the submissions does not count toward it. Last evaluated 2026-06-19.

Conditions:
Wolfram syndrome 1 (WFS1). Identifiers: Orphanet 3463, MedGen C4551693, MONDO:0009101, OMIM 222300.
Type 2 diabetes mellitus. Also called: Type II diabetes mellitus. Identifiers: MedGen C0011860, MeSH D003924, MONDO:0005148, OMIM 125853, HP:0005978.
Optic atrophy. Identifiers: MedGen C0029124, MONDO:0003608, HP:0000648.
WFS1-related disorder. Identifiers: MedGen CN379391, MONDO:0700293.

Allele frequency attached by ClinVar (database versions not stated): gnomAD exomes 0.00005; TOPMed 0.00022.
gnomAD v4.1: 96 of 1,611,684 alleles (0.006%); highest among the groups gnomAD compares: South Asian, 0.037%; no homozygotes.

Submissions (6):

PreventionGenetics, part of Exact Sciences
Classification: Uncertain significance for WFS1-related condition. Last evaluated: 2026-06-19. Review status: criteria provided, single submitter. Criteria: ACMG Guidelines, 2015. Collection method: clinical testing. Allele origin: germline.
Comment: The WFS1 c.631+4C>T variant is predicted to interfere with splicing. This variant is predicted to alter splicing based on available splicing prediction software (SpliceAI, Jaganathan et al. 2019. PubMed ID: 30661751). However, the use of computer prediction software is not equivalent to functional evidence. To our knowledge, this variant has not been reported in the literature. This variant is reported in 0.028% of alleles in individuals of African descent in gnomAD. At this time, the clinical significance of this variant is uncertain due to the absence of conclusive functional and genetic evidence.

Labcorp Genetics (formerly Invitae), Labcorp
Classification: Uncertain significance. Last evaluated: 2025-12-19. Review status: criteria provided, single submitter. Criteria: Invitae Variant Classification Sherloc (09022015). Collection method: clinical testing. Allele origin: germline.
Comment: This sequence change falls in intron 5 of the WFS1 gene. It does not directly change the encoded amino acid sequence of the WFS1 protein. It affects a nucleotide within the consensus splice site. This variant is present in population databases (rs377209257, gnomAD 0.03%). This variant has not been reported in the literature in individuals affected with WFS1-related conditions. ClinVar contains an entry for this variant (Variation ID: 1435941). Variants that disrupt the consensus splice site are a relatively common cause of aberrant splicing (PMID: 17576681, 9536098). Algorithms developed to predict the effect of sequence changes on RNA splicing suggest that this variant may disrupt the consensus splice site. In summary, the available evidence is currently insufficient to determine the role of this variant in disease. Therefore, it has been classified as a Variant of Uncertain Significance.

GeneDx
Classification: Uncertain significance. Last evaluated: 2024-01-02. Review status: criteria provided, single submitter. Criteria: GeneDx Variant Classification Process June 2021. Collection method: clinical testing. Allele origin: germline. Affected: yes.
Comment: In silico analysis supports a deleterious effect on splicing; Has not been previously published as pathogenic or benign to our knowledge

New York Genome Center
Classification: Uncertain significance for Wolfram syndrome 1; Type 2 diabetes mellitus. Last evaluated: 2022-09-16. Review status: criteria provided, single submitter. Criteria: NYGC Assertion Criteria 2020. Collection method: clinical testing. Allele origin: germline. Observed: 1 heterozygote.
Comment: The c.631+4C>T variant the WFS1 gene has not previously been reported in the literature and it has been deposited in ClinVar [ClinVarID: 1435941] as Variant of Uncertain Significance. The c.631+4C>T variant is observed in 87 alleles (~0.02% minor allele frequency with 0 homozygotes) in population databases (gnomAD v2.1.1 and v3.1.2, TOPMed Freeze 8), suggesting it is not a common benign variant in the populations represented in those databases. The c.631+4C>T variant in WFS1 is located in the splice region after exon 5 of this 8-exon gene, and is predicted to affect mRNA splicing (Splice AI: Donor Gain=0.96)which might result in exon skipping or full/partial intron retention, however, there are no functional studies to support or refute this prediction. Based on available evidence this c.631+4C>T variant identified in WFS1 is classified as a Variant of Uncertain Significance.

Institute of Human Genetics, Univ. Regensburg, Univ. Regensburg
Classification: Uncertain significance for Optic atrophy. Last evaluated: 2019-01-01. Review status: no assertion criteria provided. Criteria: ACMG Guidelines, 2015. Collection method: clinical testing. Allele origin: germline. Affected: yes. Not counted in ClinVar's aggregate classification.

Dr. Peter K. Rogan Lab, Western University
No classification provided (evidence only). Condition: Lung cancer. Review status: no classification provided. Collection method: in vitro. Allele origin: not applicable. Functional consequence: retained intron. Not counted in ClinVar's aggregate classification.

Literature cited by the submitters: PubMed 17576681 (cited by Labcorp Genetics (formerly Invitae), Labcorp); PubMed 9536098 (cited by Labcorp Genetics (formerly Invitae), Labcorp).

NM_006005.3(WFS1):c.631+4C>T

Gene: WFS1 (wolframin ER transmembrane glycoprotein; plus strand). Cytogenetic location: 4p16.1.
Variant type: single nucleotide variant.
Coding change: c.631+4C>T on transcript NM_006005.3 (MANE Select); 4 bases into the intron after coding-DNA position 631, C replaced by T.
Molecular consequence: intron variant.
Genome position (GRCh38, 1-based): chr4:6,291,371, C>T. VCF-style: chr4-6291371-C-T. GRCh37 (hg19) VCF-style: chr4-6293098-C-T.
Other names: c.631+4C>T (NM_001145853.1).
Identifiers: ClinVar variation 1435941 (VCV001435941.12), dbSNP rs377209257, ClinGen allele CA2838957.